The following is an entry in ClinVar:

NM_030773.4(TUBB1):c.340G>A (p.Glu114Lys)

Gene: TUBB1 (tubulin beta 1 class VI; plus strand). Cytogenetic location: 20q13.32.
Variant type: single nucleotide variant.
Coding change: c.340G>A on transcript NM_030773.4 (MANE Select); coding-DNA position 340, G replaced by A.
Protein change: p.Glu114Lys; replaces glutamic acid 114 with lysine.
Molecular consequence: missense variant.
Genome position (GRCh38, 1-based): chr20:59,023,767, G>A. VCF-style: chr20-59023767-G-A. GRCh37 (hg19) VCF-style: chr20-57598822-G-A.
Other names: p.Glu114Lys; short protein forms E114K.
Identifiers: ClinVar variation 2149620 (VCV002149620.8), dbSNP rs200931731, ClinGen allele CA9928485.

ClinVar aggregate classification (germline): Conflicting classifications of pathogenicity. Review status: criteria provided, conflicting classifications (1 of 4 stars). 4 submissions from 4 submitters: Uncertain significance (1); Likely benign (2). 1 of the submissions does not count toward it. Last evaluated 2025-11-27.

Conditions:
TUBB1-related disorder. Also called: TUBB1-related condition.

Allele frequency attached by ClinVar (database versions not stated): ESP Exome Variant Server 0.00008; TOPMed 0.00009; gnomAD 0.00011; ExAC 0.00013; 1000 Genomes Project 0.00040; 1000 Genomes Project 30x 0.00062.

Submissions (4):

Labcorp Genetics (formerly Invitae), Labcorp
Classification: Likely benign. Last evaluated: 2025-11-27. Review status: criteria provided, single submitter. Criteria: Invitae Variant Classification Sherloc (09022015). Collection method: clinical testing. Allele origin: germline.

Mayo Clinic Laboratories, Mayo Clinic
Classification: Uncertain significance. Last evaluated: 2024-08-21. Review status: criteria provided, single submitter. Criteria: ACMG Guidelines, 2015. Collection method: clinical testing. Allele origin: germline. Observed: 1 variant allele.
Comment: BS1_supporting, PM1_supporting

Blueprint Genetics
Classification: Likely benign. Last evaluated: 2024-02-15. Review status: criteria provided, single submitter. Criteria: ACMG Guidelines, 2015. Collection method: clinical testing. Allele origin: germline.

PreventionGenetics, part of Exact Sciences
Classification: Likely benign for TUBB1-related condition. Last evaluated: 2022-12-10. Review status: no assertion criteria provided. Collection method: clinical testing. Allele origin: germline. Not counted in ClinVar's aggregate classification.
Comment: This variant is classified as likely benign based on ACMG/AMP sequence variant interpretation guidelines (Richards et al. 2015 PMID: 25741868, with internal and published modifications).

Literature cited by the submitters: PubMed 34516618 (cited by Mayo Clinic Laboratories, Mayo Clinic).